The following is an entry in ClinVar:

ClinVar aggregate classification (germline): Likely benign (1 of 4 stars; one submission).

Allele frequency attached by ClinVar (database versions not stated): gnomAD 0.00005; TOPMed 0.00011; ExAC 0.00012; 1000 Genomes Project 30x 0.00031; 1000 Genomes Project 0.00040.
gnomAD v4.1: 60 of 1,609,980 alleles (0.0037%); highest among the groups gnomAD compares: Admixed American, 0.052%; no homozygotes.

Submission:

CeGaT Center for Human Genetics Tuebingen
Classification: Likely benign. Last evaluated: 2023-02-01. Review status: criteria provided, single submitter. Criteria: CeGaT Center For Human Genetics Tuebingen Variant Classification Criteria Version 2. Collection method: clinical testing. Allele origin: germline. Affected: yes. Observed: 1 variant allele.
Comment: REXO1: BP4, BP7

NM_020695.4(REXO1):c.447C>T (p.Phe149=)

Gene: REXO1 (RNA exonuclease 1 homolog; minus strand). Cytogenetic location: 19p13.3.
Variant type: single nucleotide variant.
Coding change: c.447C>T on transcript NM_020695.4 (MANE Select); coding-DNA position 447, C replaced by T.
Protein change: p.Phe149=; no amino-acid change (phenylalanine 149 retained).
Molecular consequence: synonymous variant.
Genome position (GRCh38, 1-based): chr19:1,828,342, G>A on the plus strand (C>T on the coding strand, the complement: REXO1 is on the minus strand). VCF-style: chr19-1828342-G-A. GRCh37 (hg19) VCF-style: chr19-1828341-G-A.
Identifiers: ClinVar variation 2648949 (VCV002648949.24), dbSNP rs529155634, ClinGen allele CA9053787.